The following is an entry in ClinVar:

NM_001375380.1(EBF3):c.1518G>A (p.Ser506=)

Gene: EBF3 (EBF transcription factor 3; minus strand). Cytogenetic location: 10q26.3.
Variant type: single nucleotide variant.
Coding change: c.1518G>A on transcript NM_001375380.1 (MANE Select); coding-DNA position 1518, G replaced by A.
Protein change: p.Ser506=; no amino-acid change (serine 506 retained).
Molecular consequence: synonymous variant. On other transcripts: intron variant (1).
Genome position (GRCh38, 1-based): chr10:129,840,887, C>T on the plus strand (G>A on the coding strand, the complement: EBF3 is on the minus strand). VCF-style: chr10-129840887-C-T. GRCh37 (hg19) VCF-style: chr10-131639151-C-T.
Other names: c.1491G>A, p.Ser497= (NM_001005463.3, NM_001375390.1); c.1518G>A, p.Ser506= (NM_001375379.1, NM_001375389.1, NM_001375391.1); c.1346-445G>A (NM_001375392.1).
Identifiers: ClinVar variation 4821473 (VCV004821473.4).

ClinVar aggregate classification (germline): Likely benign (1 of 4 stars; one submission).

gnomAD v4.1: 120 of 1,613,888 alleles (0.0074%); highest among the groups gnomAD compares: Middle Eastern, 0.033%; no homozygotes.

Submission:

CeGaT Center for Human Genetics Tuebingen
Classification: Likely benign. Last evaluated: 2026-04-01. Review status: criteria provided, single submitter. Criteria: CeGaT Center For Human Genetics Tuebingen Variant Classification Criteria Version 2. Collection method: clinical testing. Allele origin: germline. Affected: yes. Observed: 2 variant alleles.
Comment: EBF3: BP4, BP7